The following is an entry in ClinVar:

ClinVar aggregate classification (germline): Uncertain significance (1 of 4 stars; one submission).

Conditions:
Familial adenomatous polyposis 1 (FAP1). Also called: FAMILIAL ADENOMATOUS POLYPOSIS 1, ATTENUATED; POLYPOSIS, ADENOMATOUS INTESTINAL. Identifiers: MedGen C2713442, MONDO:0021056, OMIM 175100. Disease mechanism: loss of function.

Submission:

Labcorp Genetics (formerly Invitae), Labcorp
Classification: Uncertain significance for Familial adenomatous polyposis 1. Last evaluated: 2022-09-06. Review status: criteria provided, single submitter. Criteria: Invitae Variant Classification Sherloc (09022015). Collection method: clinical testing. Allele origin: germline.
Comment: In summary, the available evidence is currently insufficient to determine the role of this variant in disease. Therefore, it has been classified as a Variant of Uncertain Significance. Algorithms developed to predict the effect of missense changes on protein structure and function are either unavailable or do not agree on the potential impact of this missense change (SIFT: "Tolerated"; PolyPhen-2: "Probably Damaging"; Align-GVGD: "Class C0"). This variant has not been reported in the literature in individuals affected with APC-related conditions. This variant is not present in population databases (gnomAD no frequency). This sequence change replaces threonine, which is neutral and polar, with alanine, which is neutral and non-polar, at codon 2676 of the APC protein (p.Thr2676Ala).

NM_000038.6(APC):c.8026A>G (p.Thr2676Ala)

Gene: APC (APC regulator of Wnt signaling pathway; plus strand). Cytogenetic location: 5q22.2.
Variant type: single nucleotide variant.
Coding change: c.8026A>G on transcript NM_000038.6 (MANE Select); coding-DNA position 8026, A replaced by G.
Protein change: p.Thr2676Ala; replaces threonine 2676 with alanine.
Molecular consequence: missense variant.
Genome position (GRCh38, 1-based): chr5:112,843,620, A>G. VCF-style: chr5-112843620-A-G. GRCh37 (hg19) VCF-style: chr5-112179317-A-G.
Other names: c.8026A>G, p.Thr2676Ala (NM_001127510.3, NM_001354895.2, NM_001407450.1); c.7972A>G, p.Thr2658Ala (NM_001127511.3); c.8080A>G, p.Thr2694Ala (NM_001354896.2, NM_001407447.1, NM_001407448.1 and 1 more transcripts); c.8056A>G, p.Thr2686Ala (NM_001354897.2); c.7951A>G, p.Thr2651Ala (NM_001354898.2); c.7942A>G, p.Thr2648Ala (NM_001354899.2); c.7903A>G, p.Thr2635Ala (NM_001354900.2); c.7849A>G, p.Thr2617Ala (NM_001354901.2, NM_001407453.1); and 11 more; short protein forms T2292A, T2393A, T2516A, T2547A, T2550A, T2575A, T2585A, T2593A.
Identifiers: ClinVar variation 1718954 (VCV001718954.6), dbSNP rs1766625941, ClinGen allele CA16038763.
Genomic context (GRCh38, chr5:112,843,620, plus strand): 5'-GATGTTTGGGTGAGAATTGAGGACTGTCCCATTAACAATCCTAGATCTGGAAGATCTCCC[A>G]CAGGTAATACTCCCCCGGTGATTGACAGTGTTTCAGAAAAGGCAAATCCAAACATTAAAG-3'
Protein context (NP_000029.2, residues 2666-2686): INNPRSGRSP[Thr2676Ala]GNTPPVIDSV